The following is an entry in ClinVar:

NM_001128205.2(SULF1):c.1016G>A (p.Arg339His)

Gene: SULF1 (sulfatase 1; plus strand). Cytogenetic location: 8q13.3.
Variant type: single nucleotide variant.
Coding change: c.1016G>A on transcript NM_001128205.2 (MANE Select); coding-DNA position 1016, G replaced by A.
Protein change: p.Arg339His; replaces arginine 339 with histidine.
Molecular consequence: missense variant. On other transcripts: 5 prime UTR variant (1), non-coding transcript variant (7).
Genome position (GRCh38, 1-based): chr8:69,601,784, G>A. VCF-style: chr8-69601784-G-A. GRCh37 (hg19) VCF-style: chr8-70514019-G-A.
Other names: c.1016G>A, p.Arg339His (NM_001128204.2, NM_001128206.2, NM_001412828.1 and 19 more transcripts); c.830G>A, p.Arg277His (NM_001412841.1, NM_001412842.1); c.416G>A, p.Arg139His (NM_001412844.1, NM_001412845.1); c.-760G>A (NM_001412846.1); short protein forms R277H, R339H, R139H.
Identifiers: ClinVar variation 2509363 (VCV002509363.6), dbSNP rs61747207, ClinGen allele CA4775728.

ClinVar aggregate classification (germline): Uncertain significance. Review status: criteria provided, multiple submitters, no conflicts (2 of 4 stars). 2 submissions from 2 submitters: Uncertain significance (2). Last evaluated 2025-05-22.

Allele frequency attached by ClinVar (database versions not stated): 1000 Genomes Project 30x 0.00016; TOPMed 0.00018; ESP Exome Variant Server 0.00031; gnomAD 0.00016.
gnomAD v4.1: 233 of 1,611,230 alleles (0.014%); highest among the groups gnomAD compares: East Asian, 0.074%; no homozygotes.

Submissions (2):

Labcorp Genetics (formerly Invitae), Labcorp
Classification: Uncertain significance. Last evaluated: 2025-05-22. Review status: criteria provided, single submitter. Criteria: Invitae Variant Classification Sherloc (09022015). Collection method: clinical testing. Allele origin: germline.
Comment: This sequence change replaces arginine, which is basic and polar, with histidine, which is basic and polar, at codon 339 of the SULF1 protein (p.Arg339His). This variant is present in population databases (rs61747207, gnomAD 0.04%). This variant has not been reported in the literature in individuals affected with SULF1-related conditions. ClinVar contains an entry for this variant (Variation ID: 2509363). An algorithm developed to predict the effect of missense changes on protein structure and function (PolyPhen-2) suggests that this variant is likely to be disruptive. In summary, the available evidence is currently insufficient to determine the role of this variant in disease. Therefore, it has been classified as a Variant of Uncertain Significance.

Ambry Genetics
Classification: Uncertain significance. Last evaluated: 2025-05-20. Review status: criteria provided, single submitter. Criteria: Ambry Variant Classification Scheme 2023. Collection method: clinical testing. Allele origin: germline.